The following is an entry in ClinVar:

NM_001127671.2(LIFR):c.*546A>C

Gene: LIFR (LIF receptor subunit alpha; minus strand). Cytogenetic location: 5p13.1.
Variant type: single nucleotide variant.
Coding change: c.*546A>C on transcript NM_001127671.2 (MANE Select); 546 bases downstream of the stop codon, A replaced by C.
Molecular consequence: 3 prime UTR variant.
Genome position (GRCh38, 1-based): chr5:38,481,049, T>G on the plus strand (A>C on the coding strand, the complement: LIFR is on the minus strand). VCF-style: chr5-38481049-T-G. GRCh37 (hg19) VCF-style: chr5-38481151-T-G.
Other names: c.*546A>C (NM_001364297.2, NM_001364298.2, NM_002310.6).
Identifiers: ClinVar variation 353598 (VCV000353598.5), dbSNP rs3822427, ClinGen allele CA10621865.

ClinVar aggregate classification (germline): Benign (1 of 4 stars; one submission).

Conditions:
Stuve-Wiedemann syndrome (STWS). Also called: Stüve-Wiedemann syndrome. Identifiers: Orphanet 3206, MedGen C0796176, MONDO:0031280.

Allele frequency attached by ClinVar (database versions not stated): gnomAD 0.00868 and 0.01231; TOPMed 0.01277; 1000 Genomes Project 30x 0.05278; 1000 Genomes Project 0.05771.
gnomAD v4.1: 4,597 of 229,808 alleles (2%); highest among the groups gnomAD compares: East Asian, 25%; 524 homozygotes.

Submission:

Illumina Laboratory Services, Illumina
Classification: Benign for Stüve-Wiedemann syndrome 1. Last evaluated: 2018-01-12. Review status: criteria provided, single submitter. Criteria: ICSL Variant Classification Criteria 13 December 2019. Collection method: clinical testing. Allele origin: germline.
Comment: This variant was observed in the ICSL laboratory as part of a predisposition screen in an ostensibly healthy population. It had not been previously curated by ICSL or reported in the Human Gene Mutation Database (HGMD: prior to June 1st, 2018), and was therefore a candidate for classification through an automated scoring system. Utilizing variant allele frequency, disease prevalence and penetrance estimates, and inheritance mode, an automated score was calculated to assess if this variant is too frequent to cause the disease. Based on the score and internal cut-off values, a variant classified as benign is not then subjected to further curation. The score for this variant resulted in a classification of benign for this disease.